The following is an entry in ClinVar:

ClinVar aggregate classification (germline): Uncertain significance (1 of 4 stars; one submission).

Allele frequency attached by ClinVar (database versions not stated): gnomAD exomes below 0.00001.
gnomAD v4.1: 2 of 1,614,212 alleles (0.00012%); highest among the groups gnomAD compares: Non-Finnish European, 0.00017%; no homozygotes.

Submission:

Labcorp Genetics (formerly Invitae), Labcorp
Classification: Uncertain significance. Last evaluated: 2024-09-10. Review status: criteria provided, single submitter. Criteria: Invitae Variant Classification Sherloc (09022015). Collection method: clinical testing. Allele origin: germline.
Comment: This sequence change replaces glutamic acid, which is acidic and polar, with glycine, which is neutral and non-polar, at codon 190 of the KRT5 protein (p.Glu190Gly). This variant is not present in population databases (gnomAD no frequency). This variant has not been reported in the literature in individuals affected with KRT5-related conditions. Invitae Evidence Modeling of protein sequence and biophysical properties (such as structural, functional, and spatial information, amino acid conservation, physicochemical variation, residue mobility, and thermodynamic stability) indicates that this missense variant is expected to disrupt KRT5 protein function with a positive predictive value of 80%. In summary, the available evidence is currently insufficient to determine the role of this variant in disease. Therefore, it has been classified as a Variant of Uncertain Significance.

NM_000424.4(KRT5):c.569A>G (p.Glu190Gly)

Genes: KRT5 (keratin 5; minus strand), LOC126861526 (BRD4-independent group 4 enhancer GRCh37_chr12:52912066-52913265; plus strand). Cytogenetic location: 12q13.13.
Variant type: single nucleotide variant.
Coding change: c.569A>G on transcript NM_000424.4 (MANE Select); coding-DNA position 569, A replaced by G.
Protein change: p.Glu190Gly; replaces glutamic acid 190 with glycine.
Molecular consequence: missense variant.
Genome position (GRCh38, 1-based): chr12:52,519,147, T>C on the plus strand (A>G on the coding strand, the complement: KRT5 is on the minus strand). VCF-style: chr12-52519147-T-C. GRCh37 (hg19) VCF-style: chr12-52912931-T-C.
Other names: short protein forms E190G.
Identifiers: ClinVar variation 2844568 (VCV002844568.3), dbSNP rs2498407373, ClinGen allele CA384927982.
Genomic context (GRCh38, chr12:52,519,147, plus strand): 5'-GTCTTGGTGCCCTGCTCCTGCAGCAGGGTCCACTTGGTGTCCAGAACCTTGTTCTGCTGC[T>C]CCAGGAACCGCACCTGGAGGGGAGCAGGGTTTGAAGATAGAGAAACTTGGATTTCATGTT-3'
Protein context (NP_000415.2, residues 180-200): ASFIDKVRFL[Glu190Gly]QQNKVLDTKW